The following is an entry in ClinVar:

NM_133510.4(RAD51B):c.520A>G (p.Ser174Gly)

Gene: RAD51B (RAD51 paralog B; plus strand). Cytogenetic location: 14q24.1.
Variant type: single nucleotide variant.
Coding change: c.520A>G on transcript NM_133510.4 (MANE Select); coding-DNA position 520, A replaced by G.
Protein change: p.Ser174Gly; replaces serine 174 with glycine.
Molecular consequence: missense variant.
Genome position (GRCh38, 1-based): chr14:67,885,936, A>G. VCF-style: chr14-67885936-A-G. GRCh37 (hg19) VCF-style: chr14-68352653-A-G.
Other names: c.520A>G, p.Ser174Gly (NM_001321809.2, NM_001321810.2, NM_001321812.1 and 6 more transcripts); c.406A>G, p.Ser136Gly (NM_001321815.1); c.163A>G, p.Ser55Gly (NM_001321817.2); short protein forms S174G, S136G, S55G.
Identifiers: ClinVar variation 3786359 (VCV003786359.1).

ClinVar aggregate classification (germline): Uncertain significance (1 of 4 stars; one submission).

gnomAD v4.1: 21 of 1,607,210 alleles (0.0013%); highest among the groups gnomAD compares: Non-Finnish European, 0.0018%; no homozygotes.

Submission:

Ambry Genetics
Classification: Uncertain significance. Last evaluated: 2024-12-20. Review status: criteria provided, single submitter. Criteria: Ambry Variant Classification Scheme 2023. Collection method: clinical testing. Allele origin: germline.
Comment: The p.S174G variant (also known as c.520A>G), located in coding exon 5 of the RAD51B gene, results from an A to G substitution at nucleotide position 520. The serine at codon 174 is replaced by glycine, an amino acid with similar properties. This amino acid position is well conserved in available vertebrate species. In addition, this alteration is predicted to be tolerated by in silico analysis. The evidence for this gene-disease relationship is limited; therefore, the clinical significance of this alteration is unclear.